The following is an entry in ClinVar:

ClinVar aggregate classification (germline): Uncertain significance (1 of 4 stars; one submission).

Conditions:
Hereditary breast ovarian cancer syndrome. Also called: Breast and ovarian cancer; Hereditary breast and ovarian cancer syndrome; Hereditary breast and ovarian cancer syndrome (HBOC); BRCA1- and BRCA2-Associated Hereditary Breast and Ovarian Cancer; Hereditary breast and/or ovarian cancer syndrome; Hereditary breast and ovarian cancer. Identifiers: Orphanet 145, MedGen C0677776, MeSH D061325, MONDO:0003582. Disease mechanism: loss of function.

Submission:

Labcorp Genetics (formerly Invitae), Labcorp
Classification: Uncertain significance for Hereditary breast ovarian cancer syndrome. Last evaluated: 2025-07-29. Review status: criteria provided, single submitter. Criteria: Invitae Variant Classification Sherloc (09022015). Collection method: clinical testing. Allele origin: germline.
Comment: This sequence change replaces leucine, which is neutral and non-polar, with valine, which is neutral and non-polar, at codon 3317 of the BRCA2 protein (p.Leu3317Val). This variant is not present in population databases (gnomAD no frequency). This variant has not been reported in the literature in individuals affected with BRCA2-related conditions. Invitae Evidence Modeling of protein sequence and biophysical properties (such as structural, functional, and spatial information, amino acid conservation, physicochemical variation, residue mobility, and thermodynamic stability) indicates that this missense variant is not expected to disrupt BRCA2 protein function with a negative predictive value of 95%. In summary, the available evidence is currently insufficient to determine the role of this variant in disease. Therefore, it has been classified as a Variant of Uncertain Significance.

NM_000059.4(BRCA2):c.9949C>G (p.Leu3317Val)

Gene: BRCA2 (BRCA2 DNA repair associated; plus strand). Cytogenetic location: 13q13.1.
Variant type: single nucleotide variant.
Coding change: c.9949C>G on transcript NM_000059.4 (MANE Select); coding-DNA position 9949, C replaced by G.
Protein change: p.Leu3317Val; replaces leucine 3317 with valine.
Molecular consequence: missense variant. On other transcripts: non-coding transcript variant (1).
Genome position (GRCh38, 1-based): chr13:32,398,462, C>G. VCF-style: chr13-32398462-C-G. GRCh37 (hg19) VCF-style: chr13-32972599-C-G.
Other names: c.9853C>G, p.Leu3285Val (NM_001406719.1); c.9898C>G, p.Leu3300Val (NM_001406720.1); c.5017C>G, p.Leu1673Val (NM_001406721.1); c.3532C>G, p.Leu1178Val (NM_001406722.1); c.9949C>G, p.Leu3317Val (NM_001432077.1); short protein forms L1178V, L3300V, L1673V, L3317V, L3285V.
Identifiers: ClinVar variation 4774225 (VCV004774225.1).